The following is an entry in ClinVar:

NM_007294.4(BRCA1):c.5153-3T>G

Gene: BRCA1 (BRCA1 DNA repair associated; minus strand). Cytogenetic location: 17q21.31.
Variant type: single nucleotide variant.
Coding change: c.5153-3T>G on transcript NM_007294.4 (MANE Select); 3 bases into the intron before coding-DNA position 5153, T replaced by G.
Molecular consequence: intron variant.
Genome position (GRCh38, 1-based): chr17:43,063,376, A>C on the plus strand (T>G on the coding strand, the complement: BRCA1 is on the minus strand). VCF-style: chr17-43063376-A-C. GRCh37 (hg19) VCF-style: chr17-41215393-A-C.
Other names: c.1700-3T>G (NM_001408458.1, NM_001408461.1, NM_001408464.1 and 7 more transcripts); c.4262-3T>G (NM_001407967.1); c.4772-3T>G (NM_001407959.1); c.4886-3T>G (NM_001407931.1, NM_001407932.1, NM_001407928.1 and 4 more transcripts); c.5009-3T>G (NM_001407747.1, NM_001407745.1, NM_001407737.1 and 21 more transcripts); c.4769-3T>G (NM_001407962.1, NM_001407960.1); c.1340-3T>G (NM_001408512.1); c.1463-3T>G (NM_001408510.1); and 72 more.
Identifiers: ClinVar variation 868758 (VCV000868758.3), dbSNP rs375639469, ClinGen allele CA916080044.
Genomic context (GRCh38, chr17:43,063,376, plus strand): 5'-TAACATCAAGTACTTACCTCATTCAGCATTTTTCTTTCTTTAATAGACTGGGTCACCCCT[A>C]AAGAGATCATAGAAAAGACAGGTTACATACAGCAGAAGAACGTGCTCTTTTCACGGAGAT-3'

Conditions:
Breast-ovarian cancer, familial, susceptibility to, 1 (BROVCA1). Also called: BRCA1 Hereditary Breast and Ovarian Cancer; OVARIAN CANCER, SUSCEPTIBILITY TO. Identifiers: Orphanet 145, MedGen C2676676, MONDO:0011450, OMIM 604370. Disease mechanism: loss of function.

Submission:

Brotman Baty Institute, University of Washington
No classification provided (evidence only). Condition: Breast-ovarian cancer, familial 1. Review status: no classification provided. Collection method: in vitro. Allele origin: not applicable. Functional consequence: functionally_normal.
ClinVar note: "not provided" was previously submitted as the classification for the variant. However, the classification appeared to be based only on an observation of functional data so it was converted to no classification on 2025-07-30.